The following is an entry in ClinVar:

NM_000079.4(CHRNA1):c.657G>C (p.Leu219=)

Gene: CHRNA1 (cholinergic receptor nicotinic alpha 1 subunit; minus strand). Cytogenetic location: 2q31.1.
Variant type: single nucleotide variant.
Coding change: c.657G>C on transcript NM_000079.4 (MANE Select); coding-DNA position 657, G replaced by C.
Protein change: p.Leu219=; no amino-acid change (leucine 219 retained).
Molecular consequence: synonymous variant.
Genome position (GRCh38, 1-based): chr2:174,753,624, C>G on the plus strand (G>C on the coding strand, the complement: CHRNA1 is on the minus strand). VCF-style: chr2-174753624-C-G. GRCh37 (hg19) VCF-style: chr2-175618352-C-G.
Other names: c.732G>C, p.Leu244= (NM_001039523.3); c.732G>C (NM_001039523.2).
Identifiers: ClinVar variation 703546 (VCV000703546.13), dbSNP rs375856493, ClinGen allele CA1974498.

ClinVar aggregate classification (germline): Likely benign. Review status: criteria provided, single submitter (1 of 4 stars). 2 submissions from 2 submitters: Likely benign (1). 1 of the submissions does not count toward it. Last evaluated 2025-08-11.

Conditions:
CHRNA1-related disorder. Also called: CHRNA1-related condition.
Lethal multiple pterygium syndrome (LMPS). Identifiers: Orphanet 33108, MedGen C1854678, MONDO:0009668, OMIM 253290.

Allele frequency attached by ClinVar (database versions not stated): gnomAD exomes 0.00001 and 0.00003; ExAC 0.00003; gnomAD 0.00008 and 0.00009; TOPMed 0.00009; ESP Exome Variant Server 0.00023.
gnomAD v4.1: 25 of 1,613,930 alleles (0.0015%); highest among the groups gnomAD compares: African/African-American, 0.029%; no homozygotes.

Submissions (2):

Labcorp Genetics (formerly Invitae), Labcorp
Classification: Likely benign for Lethal multiple pterygium syndrome. Last evaluated: 2025-08-11. Review status: criteria provided, single submitter. Criteria: Invitae Variant Classification Sherloc (09022015). Collection method: clinical testing. Allele origin: germline.

PreventionGenetics, part of Exact Sciences
Classification: Likely benign for CHRNA1-related condition. Last evaluated: 2024-06-12. Review status: no assertion criteria provided. Collection method: clinical testing. Allele origin: germline. Not counted in ClinVar's aggregate classification.
Comment: This variant is classified as likely benign based on ACMG/AMP sequence variant interpretation guidelines (Richards et al. 2015 PMID: 25741868, with internal and published modifications).